The following is an entry in ClinVar:

NM_001369369.1(FOXN1):c.1022G>A (p.Arg341His)

Gene: FOXN1 (forkhead box N1; plus strand). Cytogenetic location: 17q11.2.
Variant type: single nucleotide variant.
Coding change: c.1022G>A on transcript NM_001369369.1 (MANE Select); coding-DNA position 1022, G replaced by A.
Protein change: p.Arg341His; replaces arginine 341 with histidine.
Molecular consequence: missense variant.
Genome position (GRCh38, 1-based): chr17:28,534,425, G>A. VCF-style: chr17-28534425-G-A. GRCh37 (hg19) VCF-style: chr17-26861443-G-A.
Other names: c.1022G>A, p.Arg341His (NM_003593.3); short protein forms R341H.
Identifiers: ClinVar variation 2157806 (VCV002157806.2), dbSNP rs756849720, ClinGen allele CA8459421.

ClinVar aggregate classification (germline): Uncertain significance (1 of 4 stars; one submission).

Conditions:
T-cell immunodeficiency, congenital alopecia, and nail dystrophy. Also called: Congenital alopecia and nail dystrophy associated with severe functional T-cell immunodeficiency; Pignata Guarino syndrome. Identifiers: Orphanet 169095, MedGen C1866426, MONDO:0011132, OMIM 601705.

gnomAD v4.1: 35 of 1,614,056 alleles (0.0022%); highest among the groups gnomAD compares: Admixed American, 0.01%; no homozygotes.

Submission:

Labcorp Genetics (formerly Invitae), Labcorp
Classification: Uncertain significance for T-cell immunodeficiency, congenital alopecia, and nail dystrophy. Last evaluated: 2025-11-03. Review status: criteria provided, single submitter. Criteria: Invitae Variant Classification Sherloc (09022015). Collection method: clinical testing. Allele origin: germline.
Comment: This sequence change replaces arginine, which is basic and polar, with histidine, which is basic and polar, at codon 341 of the FOXN1 protein (p.Arg341His). This variant is present in population databases (rs756849720, gnomAD 0.01%). This variant has not been reported in the literature in individuals affected with FOXN1-related conditions. ClinVar contains an entry for this variant (Variation ID: 2157806). Invitae Evidence Modeling of protein sequence and biophysical properties (such as structural, functional, and spatial information, amino acid conservation, physicochemical variation, residue mobility, and thermodynamic stability) has been performed for this missense variant. However, the output from this modeling did not meet the statistical confidence thresholds required to predict the impact of this variant on FOXN1 protein function. In summary, the available evidence is currently insufficient to determine the role of this variant in disease. Therefore, it has been classified as a Variant of Uncertain Significance.